The following is an entry in ClinVar:

ClinVar aggregate classification (germline): Likely benign (1 of 4 stars; one submission).

gnomAD v4.1: 1 of 151,768 alleles (0.00066%); highest among the groups gnomAD compares: East Asian, 0.019%; no homozygotes.

Submission:

CeGaT Center for Human Genetics Tuebingen
Classification: Likely benign. Last evaluated: 2025-11-01. Review status: criteria provided, single submitter. Criteria: CeGaT Center For Human Genetics Tuebingen Variant Classification Criteria Version 2. Collection method: clinical testing. Allele origin: germline. Affected: yes. Observed: 1 variant allele.
Comment: CSPP1: BP4, BP7

NM_001382391.1(CSPP1):c.-10-4461C>T

Gene: CSPP1 (centrosome and spindle pole associated protein 1; plus strand). Cytogenetic location: 8q13.1.
Variant type: single nucleotide variant.
Coding change: c.-10-4461C>T on transcript NM_001382391.1 (MANE Select); 4461 bases into the intron before 10 bases upstream of the start codon, C replaced by T.
Molecular consequence: intron variant.
Genome position (GRCh38, 1-based): chr8:67,069,782, C>T. VCF-style: chr8-67069782-C-T. GRCh37 (hg19) VCF-style: chr8-67982017-C-T.
Other names: c.-10-4461C>T (NM_001363132.2, NM_001363131.2, NM_001363133.2); c.99-4461C>T (NM_001364869.1, NM_024790.7, NM_001438331.1 and 3 more transcripts).
Identifiers: ClinVar variation 4535402 (VCV004535402.6).